The following is an entry in ClinVar:

ClinVar aggregate classification (germline): Conflicting classifications of pathogenicity. Review status: criteria provided, conflicting classifications (1 of 4 stars). 4 submissions from 4 submitters: Uncertain significance (2); Likely benign (1). 1 of the submissions does not count toward it. Last evaluated 2026-01-07.

Conditions:
G6PD-related disorder. Also called: G6PD-related condition.
G6PD deficiency. Also called: G6PD A-. Identifiers: MedGen C2939465, MONDO:0005775.
Anemia, nonspherocytic hemolytic, due to G6PD deficiency (CNSHA1). Also called: Hemolytic anemia due to G6PD deficiency; Class I glucose-6-phosphate dehydrogenase deficiency; Favism, susceptibility to; ANEMIA, CONGENITAL, NONSPHEROCYTIC HEMOLYTIC, 1. Identifiers: Orphanet 466026, MedGen C2720289, MONDO:0010480, OMIM 300908.

Allele frequency attached by ClinVar (database versions not stated): gnomAD exomes 0.00007 and 0.00015; ESP Exome Variant Server 0.00009; gnomAD 0.00013; TOPMed 0.00013; ExAC 0.00015.
gnomAD v4.1: 101 of 1,211,030 alleles (0.0083%); highest among the groups gnomAD compares: Admixed American, 0.011%; no homozygotes.

Submissions (4):

Labcorp Genetics (formerly Invitae), Labcorp
Classification: Likely benign for Anemia, nonspherocytic hemolytic, due to G6PD deficiency. Last evaluated: 2026-01-07. Review status: criteria provided, single submitter. Criteria: Invitae Variant Classification Sherloc (09022015). Collection method: clinical testing. Allele origin: germline.

ARUP Laboratories, Molecular Genetics and Genomics, ARUP Laboratories
Classification: Uncertain significance. Last evaluated: 2024-01-08. Review status: criteria provided, single submitter. Criteria: ARUP Molecular Germline Variant Investigation Process 2024. Collection method: clinical testing. Allele origin: germline.

Illumina Laboratory Services, Illumina
Classification: Uncertain significance for Glucose 6 phosphate dehydrogenase deficiency. Last evaluated: 2017-04-27. Review status: criteria provided, single submitter. Criteria: ICSL Variant Classification Criteria 13 December 2019. Collection method: clinical testing. Allele origin: germline.

PreventionGenetics, part of Exact Sciences
Classification: Likely benign for G6PD-related condition. Last evaluated: 2022-04-06. Review status: no assertion criteria provided. Collection method: clinical testing. Allele origin: germline. Not counted in ClinVar's aggregate classification.
Comment: This variant is classified as likely benign based on ACMG/AMP sequence variant interpretation guidelines (Richards et al. 2015 PMID: 25741868, with internal and published modifications).

NM_001360016.2(G6PD):c.1240A>C (p.Asn414His)

Gene: G6PD (glucose-6-phosphate dehydrogenase; minus strand). Cytogenetic location: Xq28.
Variant type: single nucleotide variant.
Coding change: c.1240A>C on transcript NM_001360016.2 (MANE Select); coding-DNA position 1240, A replaced by C.
Protein change: p.Asn414His; replaces asparagine 414 with histidine.
Molecular consequence: missense variant.
Genome position (GRCh38, 1-based): chrX:154,532,614, T>G on the plus strand (A>C on the coding strand, the complement: G6PD is on the minus strand). VCF-style: chrX-154532614-T-G. GRCh37 (hg19) VCF-style: chrX-153760829-T-G.
Other names: c.1330A>C, p.Asn444His (NM_000402.4); c.1240A>C, p.Asn414His (NM_001042351.3); short protein forms N414H, N444H.
Identifiers: ClinVar variation 800212 (VCV000800212.17), dbSNP rs201794043, ClinGen allele CA10566065.